The following is an entry in ClinVar:

NM_017780.4(CHD7):c.6775G>A (p.Ala2259Thr)

Gene: CHD7 (chromodomain helicase DNA binding protein 7; plus strand). Cytogenetic location: 8q12.2.
Variant type: single nucleotide variant.
Coding change: c.6775G>A on transcript NM_017780.4 (MANE Select); coding-DNA position 6775, G replaced by A.
Protein change: p.Ala2259Thr; replaces alanine 2259 with threonine.
Molecular consequence: missense variant. On other transcripts: intron variant (1).
Genome position (GRCh38, 1-based): chr8:60,853,500, G>A. VCF-style: chr8-60853500-G-A. GRCh37 (hg19) VCF-style: chr8-61766059-G-A.
Other names: c.6775G>A (LRG_176t1); c.1717-8729G>A (NM_001316690.1); short protein forms A2259T.
Identifiers: ClinVar variation 377654 (VCV000377654.53), dbSNP rs200806228, ClinGen allele CA4760650.

ClinVar aggregate classification (germline): Conflicting classifications of pathogenicity. Review status: criteria provided, conflicting classifications (1 of 4 stars). 8 submissions from 8 submitters: Uncertain significance (3); Likely benign (4). 1 of the submissions does not count toward it. Last evaluated 2026-08-01.

Conditions:
Inborn genetic diseases. Identifiers: MedGen C0950123, MeSH D030342.
Hypogonadotropic hypogonadism 5 with or without anosmia (KAL5). Also called: HYPOGONADOTROPIC HYPOGONADISM 5 WITH ANOSMIA; HYPOGONADOTROPHIC HYPOGONADISM 5 WITHOUT ANOSMIA; CHD7-Related GnRH Deficiency (Kallmann Syndrome 5). Identifiers: Orphanet 478, MedGen C3552553, MONDO:0012880, OMIM 612370. Disease mechanism: loss of function.
CHARGE syndrome (CHARGE). Also called: CHARGE ASSOCIATION--COLOBOMA, HEART ANOMALY, CHOANAL ATRESIA, RETARDATION, GENITAL AND EAR ANOMALIES; Coloboma, heart anomaly, choanal atresia, retardation, genital and ear anomalies; CHARGE association; Hall-Hittner syndrome; Hittner Hirsch Kreh syndrome. Identifiers: Orphanet 138, MedGen C0265354, MONDO:0008965.
CHD7-related disorder. Also called: CHD7-related condition.

Allele frequency attached by ClinVar (database versions not stated): ExAC 0.00014; gnomAD 0.00014 and 0.00016; gnomAD exomes 0.00014 and 0.00020; 1000 Genomes Project 30x 0.00016; TOPMed 0.00018; 1000 Genomes Project 0.00020; ESP Exome Variant Server 0.00024.
gnomAD v4.1: 226 of 1,510,320 alleles (0.015%); highest among the groups gnomAD compares: Middle Eastern, 0.17%; 2 homozygotes.

Submissions (8):

CeGaT Center for Human Genetics Tuebingen
Classification: Likely benign. Last evaluated: 2026-08-01. Review status: criteria provided, single submitter. Criteria: CeGaT Center For Human Genetics Tuebingen Variant Classification Criteria Version 2. Collection method: clinical testing. Allele origin: germline. Affected: yes. Observed: 7 variant alleles.
Comment: CHD7: BP4

Labcorp Genetics (formerly Invitae), Labcorp
Classification: Uncertain significance for CHARGE syndrome. Last evaluated: 2026-01-05. Review status: criteria provided, single submitter. Criteria: Invitae Variant Classification Sherloc (09022015). Collection method: clinical testing. Allele origin: germline.
Comment: This sequence change replaces alanine, which is neutral and non-polar, with threonine, which is neutral and polar, at codon 2259 of the CHD7 protein (p.Ala2259Thr). This variant is present in population databases (rs200806228, gnomAD 0.03%). This missense change has been observed in individual(s) with CHARGE syndrome (PMID: 22033296, 22461308, 22539353). ClinVar contains an entry for this variant (Variation ID: 377654). An algorithm developed to predict the effect of missense changes on protein structure and function (PolyPhen-2) suggests that this variant is likely to be tolerated. In summary, the available evidence is currently insufficient to determine the role of this variant in disease. Therefore, it has been classified as a Variant of Uncertain Significance.

Blueprint Genetics
Classification: Likely benign. Last evaluated: 2024-10-10. Review status: criteria provided, single submitter. Criteria: ACMG Guidelines, 2015. Collection method: clinical testing. Allele origin: germline.

GeneDx
Classification: Likely benign. Last evaluated: 2021-05-28. Review status: criteria provided, single submitter. Criteria: GeneDx Variant Classification Process June 2021. Collection method: clinical testing. Allele origin: germline. Affected: yes.
Comment: This variant is associated with the following publications: (PMID: 22539353, 22033296, 22461308)

Ambry Genetics
Classification: Likely benign for Inborn genetic diseases. Last evaluated: 2018-12-07. Review status: criteria provided, single submitter. Criteria: Ambry Variant Classification Scheme 2023. Collection method: clinical testing. Allele origin: germline.

Genetic Services Laboratory, University of Chicago
Classification: Uncertain significance. Last evaluated: 2018-04-05. Review status: criteria provided, single submitter. Criteria: ACMG Guidelines, 2015. Collection method: clinical testing. Allele origin: germline. Affected: no.

Illumina Laboratory Services, Illumina
Classification: Uncertain significance for Kallmann Syndrome 5. Last evaluated: 2017-04-27. Review status: criteria provided, single submitter. Criteria: ICSL Variant Classification Criteria 13 December 2019. Collection method: clinical testing. Allele origin: germline.

PreventionGenetics, part of Exact Sciences
Classification: Likely benign for CHD7-related condition. Last evaluated: 2022-02-16. Review status: no assertion criteria provided. Collection method: clinical testing. Allele origin: germline. Not counted in ClinVar's aggregate classification.
Comment: This variant is classified as likely benign based on ACMG/AMP sequence variant interpretation guidelines (Richards et al. 2015 PMID: 25741868, with internal and published modifications).

Literature cited by the submitters: PubMed 22033296 (cited by Labcorp Genetics (formerly Invitae), Labcorp and Ambry Genetics); PubMed 22461308 (cited by Labcorp Genetics (formerly Invitae), Labcorp and Ambry Genetics); PubMed 22539353 (cited by Labcorp Genetics (formerly Invitae), Labcorp and Ambry Genetics).